The following is an entry in ClinVar:

ClinVar aggregate classification (germline): Uncertain significance (1 of 4 stars; one submission).

Conditions:
Cardiovascular phenotype. Identifiers: MedGen CN230736.

gnomAD v4.1: 1 of 1,611,028 alleles (0.000062%); highest among the groups gnomAD compares: Non-Finnish European, 0.000085%; no homozygotes.

Submission:

Ambry Genetics
Classification: Uncertain significance for Cardiovascular phenotype. Last evaluated: 2024-10-08. Review status: criteria provided, single submitter. Criteria: Ambry Variant Classification Scheme 2023. Collection method: clinical testing. Allele origin: germline.
Comment: The p.D6G variant (also known as c.17A>G), located in coding exon 1 of the SCN4B gene, results from an A to G substitution at nucleotide position 17. The aspartic acid at codon 6 is replaced by glycine, an amino acid with similar properties. This amino acid position is conserved. In addition, the in silico prediction for this alteration is inconclusive. Based on the available evidence, the clinical significance of this variant remains unclear.

NM_174934.4(SCN4B):c.17A>G (p.Asp6Gly)

Gene: SCN4B (sodium voltage-gated channel beta subunit 4; minus strand). Cytogenetic location: 11q23.3.
Variant type: single nucleotide variant.
Coding change: c.17A>G on transcript NM_174934.4 (MANE Select); coding-DNA position 17, A replaced by G.
Protein change: p.Asp6Gly; replaces aspartic acid 6 with glycine.
Molecular consequence: missense variant.
Genome position (GRCh38, 1-based): chr11:118,152,657, T>C on the plus strand (A>G on the coding strand, the complement: SCN4B is on the minus strand). VCF-style: chr11-118152657-T-C. GRCh37 (hg19) VCF-style: chr11-118023372-T-C.
Other names: c.17A>G, p.Asp6Gly (NM_001142348.2); short protein forms D6G.
Identifiers: ClinVar variation 3438242 (VCV003438242.1).
Genomic context (GRCh38, chr11:118,152,657, plus strand): 5'-GCTGGGGCTGCCTTACCCAAAAGCCCAGTGCCCAGCCATCTCGCCGGGGCTTTGCCTCCG[T>C]CCCCAGCCCCGGGCATAGTCCTGTTCTCTCCGGAGCGCGCGGGGGTCGCGGGGATGGGAT-3'
Protein context (NP_777594.1, residues 1-16): MPGAG[Asp6Gly]GGKAPARWLG